The following is an entry in ClinVar:

ClinVar aggregate classification (germline): Pathogenic (1 of 4 stars; one submission).

Conditions:
Atypical hemolytic-uremic syndrome. Identifiers: Orphanet 2134, MedGen C2931788, MONDO:0016244.

Submission:

Genomenon, Inc
Classification: Pathogenic for Atypical hemolytic-uremic syndrome. Last evaluated: 2026-09-17. Review status: criteria provided, single submitter. Criteria: Genomenon Sequence Variant Interpretation Standards - Updated. Collection method: curation. Allele origin: germline. Affected: yes.
Comment: CD46 p.Tyr321Ter (c.963del) is a nonsense variant that introduces a premature stop codon at amino acid position 321 and is predicted to result in a truncated or absent protein product. This variant has been observed in at least one proband affected with atypical hemolytic-uremic syndrome (PMID:28840254). It is absent or not present at a significant frequency in gnomAD. In conclusion, we classify CD46 p.Tyr321Ter (c.963del) as a pathogenic variant.

Literature cited by the submitters: PubMed 28840254.

NM_172351.3(CD46):c.918del (p.Thr305_Tyr306insTer)

Gene: CD46 (CD46 molecule; plus strand). Cytogenetic location: 1q32.2.
Variant type: Deletion.
Coding change: c.918del on transcript NM_172351.3 (MANE Select); coding-DNA position 918, one base deleted (C; older notation c.918delC).
Protein change: p.Thr305_Tyr306insTer.
Molecular consequence: nonsense. On other transcripts: intron variant (4).
Genome position (GRCh38, 1-based): chr1:207,770,337, C deleted. VCF-style (leftmost placement, unchanged base first): chr1-207770336-AC-A. GRCh37 (hg19) VCF-style: chr1-207943681-AC-A.
Other names: c.963del, p.Thr320_Tyr321insTer (NM_002389.4, NM_172359.3); c.918del, p.Thr305_Tyr306insTer (NM_153826.4, NM_172358.3); c.873del, p.Thr290_Tyr291insTer (NM_172350.3, NM_172352.3, NM_172353.3); c.901+2514del (NM_172355.3, NM_172356.3); c.856+3142del (NM_172357.3, NM_172361.3).
Identifiers: ClinVar variation 4976824 (VCV004976824.1).